The following is an entry in ClinVar:

ClinVar aggregate classification (germline): Uncertain significance (1 of 4 stars; one submission).

Conditions:
Dilated cardiomyopathy 1G (CMD1G). Identifiers: Orphanet 154, MedGen C1858763, MONDO:0011400, OMIM 604145.
Autosomal recessive limb-girdle muscular dystrophy type 2J (LGMDR10). Also called: MUSCULAR DYSTROPHY, LIMB-GIRDLE, AUTOSOMAL RECESSIVE 10; Limb-girdle muscular dystrophy, type 2J. Identifiers: Orphanet 140922, MedGen C1837342, MONDO:0012127, OMIM 608807.

Submission:

Labcorp Genetics (formerly Invitae), Labcorp
Classification: Uncertain significance for Dilated cardiomyopathy 1G; Autosomal recessive limb-girdle muscular dystrophy type 2J. Last evaluated: 2023-08-04. Review status: criteria provided, single submitter. Criteria: Invitae Variant Classification Sherloc (09022015). Collection method: clinical testing. Allele origin: germline.
Comment: Experimental studies and prediction algorithms are not available or were not evaluated, and the functional significance of this variant is currently unknown. In summary, the available evidence is currently insufficient to determine the role of this variant in disease. Therefore, it has been classified as a Variant of Uncertain Significance. This variant is located in the M band of TTN (PMID: 25589632). Variants in this region may be relevant for neuromuscular disorders, but have not been definitively shown to cause cardiomyopathy (PMID: 23975875). ClinVar contains an entry for this variant (Variation ID: 1384591). This variant has not been reported in the literature in individuals affected with TTN-related conditions. This variant is not present in population databases (gnomAD no frequency). This sequence change replaces tyrosine with phenylalanine at codon 33816 of the TTN protein (p.Tyr33816Phe). There is a small physicochemical difference between tyrosine and phenylalanine.

Literature cited by the submitters: PubMed 25589632; PubMed 23975875.

NM_001267550.2(TTN):c.101447A>T (p.Tyr33816Phe)

Genes: TTN (titin; minus strand), TTN-AS1 (TTN antisense RNA 1; plus strand). Cytogenetic location: 2q31.2.
Variant type: single nucleotide variant.
Coding change: c.101447A>T on transcript NM_001267550.2 (MANE Select); coding-DNA position 101447, A replaced by T.
Protein change: p.Tyr33816Phe; replaces tyrosine 33816 with phenylalanine.
Molecular consequence: missense variant.
Genome position (GRCh38, 1-based): chr2:178,535,168, T>A on the plus strand (A>T on the coding strand, the complement: TTN is on the minus strand). VCF-style: chr2-178535168-T-A. GRCh37 (hg19) VCF-style: chr2-179399895-T-A.
Other names: c.96524A>T, p.Tyr32175Phe (NM_001256850.1); c.74252A>T, p.Tyr24751Phe (NM_003319.4); c.93743A>T, p.Tyr31248Phe (NM_133378.4); c.74627A>T, p.Tyr24876Phe (NM_133432.3); c.74828A>T, p.Tyr24943Phe (NM_133437.4); short protein forms Y24751F, Y24943F, Y31248F, Y33816F, Y24876F, Y32175F.
Identifiers: ClinVar variation 1384591 (VCV001384591.6), dbSNP rs2154136483, ClinGen allele CA349420690.